The following is an entry in ClinVar:

ClinVar aggregate classification (germline): Uncertain significance (1 of 4 stars; one submission).

Conditions:
Charcot-Marie-Tooth disease axonal type 2C (HMSN2C). Also called: CHARCOT-MARIE-TOOTH DISEASE, AXONAL, AUTOSOMAL DOMINANT, TYPE 2C; Charcot-Marie-Tooth Neuropathy Type 2C; Charcot-Marie-Tooth Disease Type 2, TRPV4-Related (CMT2C). Identifiers: Orphanet 99937, MedGen C1853710, MONDO:0011633, OMIM 606071.

Allele frequency attached by ClinVar (database versions not stated): gnomAD 0.00001; TOPMed 0.00001; ExAC 0.00002; gnomAD exomes 0.00002.

Submission:

Labcorp Genetics (formerly Invitae), Labcorp
Classification: Uncertain significance for Charcot-Marie-Tooth disease axonal type 2C. Last evaluated: 2025-01-21. Review status: criteria provided, single submitter. Criteria: Invitae Variant Classification Sherloc (09022015). Collection method: clinical testing. Allele origin: germline.
Comment: This sequence change replaces arginine, which is basic and polar, with histidine, which is basic and polar, at codon 336 of the TRPV4 protein (p.Arg336His). This variant is present in population databases (rs768028153, gnomAD 0.005%). This variant has not been reported in the literature in individuals affected with TRPV4-related conditions. ClinVar contains an entry for this variant (Variation ID: 1385904). Invitae Evidence Modeling of protein sequence and biophysical properties (such as structural, functional, and spatial information, amino acid conservation, physicochemical variation, residue mobility, and thermodynamic stability) has been performed for this missense variant. However, the output from this modeling did not meet the statistical confidence thresholds required to predict the impact of this variant on TRPV4 protein function. In summary, the available evidence is currently insufficient to determine the role of this variant in disease. Therefore, it has been classified as a Variant of Uncertain Significance.

NM_021625.5(TRPV4):c.1007G>A (p.Arg336His)

Gene: TRPV4 (transient receptor potential cation channel subfamily V member 4; minus strand). Cytogenetic location: 12q24.11.
Variant type: single nucleotide variant.
Coding change: c.1007G>A on transcript NM_021625.5 (MANE Select); coding-DNA position 1007, G replaced by A.
Protein change: p.Arg336His; replaces arginine 336 with histidine.
Molecular consequence: missense variant.
Genome position (GRCh38, 1-based): chr12:109,798,759, C>T on the plus strand (G>A on the coding strand, the complement: TRPV4 is on the minus strand). VCF-style: chr12-109798759-C-T. GRCh37 (hg19) VCF-style: chr12-110236564-C-T.
Other names: c.866G>A, p.Arg289His (NM_001177428.2, NM_001177433.2); c.905G>A, p.Arg302His (NM_001177431.2); c.1007G>A, p.Arg336His (NM_147204.3); short protein forms R302H, R336H, R289H.
Identifiers: ClinVar variation 1385904 (VCV001385904.6), dbSNP rs768028153, ClinGen allele CA6780369.